The following is an entry in ClinVar:

NM_194248.3(OTOF):c.5109_5110insTTC (p.Arg1703_Leu1704insPhe)

Genes: OTOF (otoferlin; minus strand), LOC112840921 (BRD4-independent group 4 enhancer GRCh37_chr2:26685720-26686919; plus strand). Cytogenetic location: 2p23.3.
Variant type: Insertion.
Coding change: c.5109_5110insTTC on transcript NM_194248.3 (MANE Select); coding-DNA positions 5109 to 5110, TTC inserted.
Protein change: p.Arg1703_Leu1704insPhe.
Molecular consequence: inframe insertion.
Genome position: GRCh38 VCF-style: chr2-26463565-G-GGAA. GRCh37 (hg19) VCF-style: chr2-26686433-G-GGAA.
Other names: c.5109_5110insTTC, p.Arg1703_Leu1704insPhe (NM_001287489.2); c.2808_2809insTTC, p.Arg936_Leu937insPhe (NM_004802.4, NM_194323.3); c.3039_3040insTTC, p.Arg1013_Leu1014insPhe (NM_194322.3).
Identifiers: ClinVar variation 1185110 (VCV001185110.2), dbSNP rs2148023735, ClinGen allele CA2573051916.

ClinVar aggregate classification (germline): Pathogenic. Review status: criteria provided, single submitter (1 of 4 stars). 2 submissions from 2 submitters: Pathogenic (1). 1 of the submissions does not count toward it. Last evaluated 2025-01-09.

Conditions:
Autosomal recessive nonsyndromic hearing loss 9. Also called: Deafness, autosomal recessive 9; OTOF-Related Hearing Loss; AUDITORY NEUROPATHY, AUTOSOMAL RECESSIVE, 1, TEMPERATURE-SENSITIVE; NEUROSENSORY NONSYNDROMIC RECESSIVE DEAFNESS 9. Identifiers: Orphanet 90636, MedGen C1832828, MONDO:0010986, OMIM 601071.

Submissions (2):

Institute of Rare Diseases, West China Hospital, Sichuan University
Classification: Pathogenic for Autosomal recessive nonsyndromic hearing loss 9. Last evaluated: 2025-01-09. Review status: criteria provided, single submitter. Criteria: ClinGen HL ACMG Specifications v1. Collection method: research. Allele origin: germline. Affected: yes.
Comment: PM3_VeryStrong;PP1;PM2_Supporting;PM4

WangQJ Lab, Chinese People's Liberation Army General Hospital
Classification: Uncertain significance for Autosomal recessive nonsyndromic hearing loss 9. Last evaluated: 2021-07-01. Review status: no assertion criteria provided. Collection method: clinical testing. Allele origin: maternal. Affected: yes. Not counted in ClinVar's aggregate classification.